The following is an entry in ClinVar:

ClinVar aggregate classification (germline): Likely benign. Review status: criteria provided, single submitter (1 of 4 stars). 2 submissions from 2 submitters: Likely benign (1). 1 of the submissions does not count toward it. Last evaluated 2024-07-17.

Conditions:
PLCB4-related disorder. Also called: PLCB4-related condition.

Allele frequency attached by ClinVar (database versions not stated): ESP Exome Variant Server 0.00008.
gnomAD v4.1: 166 of 1,611,970 alleles (0.01%); highest among the groups gnomAD compares: East Asian, 0.018%; 3 homozygotes.

Submissions (2):

Blueprint Genetics
Classification: Likely benign. Last evaluated: 2024-07-17. Review status: criteria provided, single submitter. Criteria: ACMG Guidelines, 2015. Collection method: clinical testing. Allele origin: germline.

PreventionGenetics, part of Exact Sciences
Classification: Likely benign for PLCB4-related condition. Last evaluated: 2019-04-11. Review status: no assertion criteria provided. Collection method: clinical testing. Allele origin: germline. Not counted in ClinVar's aggregate classification.
Comment: This variant is classified as likely benign based on ACMG/AMP sequence variant interpretation guidelines (Richards et al. 2015 PMID: 25741868, with internal and published modifications).

NM_001377142.1(PLCB4):c.3210C>T (p.His1070=)

Gene: PLCB4 (phospholipase C beta 4; plus strand). Cytogenetic location: 20p12.2.
Variant type: single nucleotide variant.
Coding change: c.3210C>T on transcript NM_001377142.1 (MANE Select); coding-DNA position 3210, C replaced by T.
Protein change: p.His1070=; no amino-acid change (histidine 1070 retained).
Molecular consequence: synonymous variant.
Genome position (GRCh38, 1-based): chr20:9,459,772, C>T. VCF-style: chr20-9459772-C-T. GRCh37 (hg19) VCF-style: chr20-9440419-C-T.
Other names: c.3174C>T, p.His1058= (NM_000933.4, NM_001377134.2, NM_001377135.1 and 2 more transcripts); c.3210C>T, p.His1070= (NM_001172646.2, NM_001377143.1).
Identifiers: ClinVar variation 3046503 (VCV003046503.3), dbSNP rs140050954, ClinGen allele CA9761617.